The following is an entry in ClinVar:

NM_032638.5(GATA2):c.1241T>C (p.Phe414Ser)

Gene: GATA2 (GATA binding protein 2; minus strand). Cytogenetic location: 3q21.3.
Variant type: single nucleotide variant.
Coding change: c.1241T>C on transcript NM_032638.5 (MANE Select); coding-DNA position 1241, T replaced by C.
Protein change: p.Phe414Ser; replaces phenylalanine 414 with serine.
Molecular consequence: missense variant.
Genome position (GRCh38, 1-based): chr3:128,481,221, A>G on the plus strand (T>C on the coding strand, the complement: GATA2 is on the minus strand). VCF-style: chr3-128481221-A-G. GRCh37 (hg19) VCF-style: chr3-128200064-A-G.
Other names: c.1241T>C, p.Phe414Ser (NM_001145661.2); c.1199T>C, p.Phe400Ser (NM_001145662.1); short protein forms F400S, F414S.
Identifiers: ClinVar variation 1716487 (VCV001716487.5), dbSNP rs2472919095, ClinGen allele CA354413018.

ClinVar aggregate classification (germline): Uncertain significance (1 of 4 stars; one submission).

Conditions:
Deafness-lymphedema-leukemia syndrome. Also called: Emberger syndrome; Lymphedema, primary, with myelodysplasia. Identifiers: Orphanet 3226, MedGen C3279664, MONDO:0013540, OMIM 614038.
Monocytopenia with susceptibility to infections. Also called: MONOCYTOPENIA AND MYCOBACTERIAL INFECTION SYNDROME; MONOCYTOPENIA WITH SUSCEPTIBILITY TO MYCOBACTERIAL, FUNGAL, AND PAPILLOMAVIRUS INFECTIONS AND MYELODYSPLASIA; COMBINED IMMUNODEFICIENCY WITH SUSCEPTIBILITY TO MYCOBACTERIAL, VIRAL, AND FUNGAL INFECTIONS; Dendritic cell, monocyte, B lymphocyte, and natural killer lymphocyte deficiency; IMMUNODEFICIENCY 21; GATA2 DEFICIENCY. Identifiers: Orphanet 228423, MedGen C3280030, MONDO:0013607, OMIM 614172.

Submission:

Labcorp Genetics (formerly Invitae), Labcorp
Classification: Uncertain significance for Monocytopenia with susceptibility to infections; Deafness-lymphedema-leukemia syndrome. Last evaluated: 2022-08-16. Review status: criteria provided, single submitter. Criteria: Invitae Variant Classification Sherloc (09022015). Collection method: clinical testing. Allele origin: germline.
Comment: In summary, the available evidence is currently insufficient to determine the role of this variant in disease. Therefore, it has been classified as a Variant of Uncertain Significance. This sequence change replaces phenylalanine, which is neutral and non-polar, with serine, which is neutral and polar, at codon 414 of the GATA2 protein (p.Phe414Ser). This variant is not present in population databases (gnomAD no frequency). This variant has not been reported in the literature in individuals affected with GATA2-related conditions. Algorithms developed to predict the effect of missense changes on protein structure and function are either unavailable or do not agree on the potential impact of this missense change (SIFT: "Deleterious"; PolyPhen-2: "Benign"; Align-GVGD: "Class C55").